The following is an entry in ClinVar:

NM_001145715.3(KPNA7):c.824G>A (p.Arg275His)

Gene: KPNA7 (karyopherin subunit alpha 7; minus strand). Cytogenetic location: 7q22.1.
Variant type: single nucleotide variant.
Coding change: c.824G>A on transcript NM_001145715.3 (MANE Select); coding-DNA position 824, G replaced by A.
Protein change: p.Arg275His; replaces arginine 275 with histidine.
Molecular consequence: missense variant.
Genome position (GRCh38, 1-based): chr7:99,188,376, C>T on the plus strand (G>A on the coding strand, the complement: KPNA7 is on the minus strand). VCF-style: chr7-99188376-C-T. GRCh37 (hg19) VCF-style: chr7-98785999-C-T.
Other names: short protein forms R275H.
Identifiers: ClinVar variation 409800 (VCV000409800.9), dbSNP rs377664445, ClinGen allele CA4363185.

ClinVar aggregate classification (germline): Uncertain significance (1 of 4 stars; one submission).

Allele frequency attached by ClinVar (database versions not stated): gnomAD 0.00001; TOPMed 0.00002; ESP Exome Variant Server 0.00022.
gnomAD v4.1: 33 of 1,551,458 alleles (0.0021%); highest among the groups gnomAD compares: East Asian, 0.024%; no homozygotes.

Submission:

Labcorp Genetics (formerly Invitae), Labcorp
Classification: Uncertain significance. Last evaluated: 2023-05-23. Review status: criteria provided, single submitter. Criteria: Invitae Variant Classification Sherloc (09022015). Collection method: clinical testing. Allele origin: germline.
Comment: In summary, the available evidence is currently insufficient to determine the role of this variant in disease. Therefore, it has been classified as a Variant of Uncertain Significance. Advanced modeling of protein sequence and biophysical properties (such as structural, functional, and spatial information, amino acid conservation, physicochemical variation, residue mobility, and thermodynamic stability) performed at Invitae indicates that this missense variant is not expected to disrupt KPNA7 protein function. ClinVar contains an entry for this variant (Variation ID: 409800). This variant has not been reported in the literature in individuals affected with KPNA7-related conditions. This variant is present in population databases (rs377664445, gnomAD 0.06%). This sequence change replaces arginine, which is basic and polar, with histidine, which is basic and polar, at codon 275 of the KPNA7 protein (p.Arg275His).